The following is an entry in ClinVar:

ClinVar aggregate classification (germline): Uncertain significance (1 of 4 stars; one submission).

Conditions:
Familial thoracic aortic aneurysm and aortic dissection (TAAD). Also called: Thoracic aortic aneurysms and dissections. Identifiers: Orphanet 91387, MedGen C4707243, MONDO:0019625.

Submission:

Ambry Genetics
Classification: Uncertain significance for Familial thoracic aortic aneurysm and aortic dissection. Last evaluated: 2023-05-11. Review status: criteria provided, single submitter. Criteria: Ambry Variant Classification Scheme 2023. Collection method: clinical testing. Allele origin: germline.
Comment: The p.D309E variant (also known as c.927C>A), located in coding exon 8 of the CBS gene, results from a C to A substitution at nucleotide position 927. The aspartic acid at codon 309 is replaced by glutamic acid, an amino acid with highly similar properties. This amino acid position is conserved. In addition, the in silico prediction for this alteration is inconclusive. Since supporting evidence is limited at this time, the clinical significance of this alteration remains unclear.

NM_000071.3(CBS):c.927C>A (p.Asp309Glu)

Gene: CBS (cystathionine beta-synthase; minus strand). Cytogenetic location: 21q22.3.
Variant type: single nucleotide variant.
Coding change: c.927C>A on transcript NM_000071.3 (MANE Select); coding-DNA position 927, C replaced by A.
Protein change: p.Asp309Glu; replaces aspartic acid 309 with glutamic acid.
Molecular consequence: missense variant.
Genome position (GRCh38, 1-based): chr21:43,062,980, G>T on the plus strand (C>A on the coding strand, the complement: CBS is on the minus strand). VCF-style: chr21-43062980-G-T. GRCh37 (hg19) VCF-style: chr21-44483090-G-T.
Other names: c.612C>A, p.Asp204Glu (NM_001321072.1); c.927C>A, p.Asp309Glu (NM_001178008.3, NM_001178009.3, NM_001320298.2); short protein forms D309E, D204E.
Identifiers: ClinVar variation 2566668 (VCV002566668.2), dbSNP rs2517428345, ClinGen allele CA410599986.
Genomic context (GRCh38, chr21:43,062,980, plus strand): 5'-CGGCACTGTGGCCGGGCTCTGGACTCGACCTACCGTCCTGTCCAGCACCGTGGGGATGAA[G>T]TCGTAGCCGATCCCTTCCACCTCGTAGGTTGTCTGCTCCGTCTGGTTCAGCTCCTCCGGC-3'
Protein context (NP_000062.1, residues 299-319): TTYEVEGIGY[Asp309Glu]FIPTVLDRTV